The following is an entry in ClinVar:

NM_001943.5(DSG2):c.1494A>G (p.Thr498=)

Gene: DSG2 (desmoglein 2; plus strand). Cytogenetic location: 18q12.1.
Variant type: single nucleotide variant.
Coding change: c.1494A>G on transcript NM_001943.5 (MANE Select); coding-DNA position 1494, A replaced by G.
Protein change: p.Thr498=; no amino-acid change (threonine 498 retained).
Molecular consequence: synonymous variant.
Genome position (GRCh38, 1-based): chr18:31,536,272, A>G. VCF-style: chr18-31536272-A-G. GRCh37 (hg19) VCF-style: chr18-29116235-A-G.
Identifiers: ClinVar variation 3073395 (VCV003073395.1), dbSNP rs2510917842, ClinGen allele CA503600701.

ClinVar aggregate classification (germline): Likely benign (1 of 4 stars; one submission).

Conditions:
Arrhythmogenic right ventricular cardiomyopathy (ARVD). Also called: Arrhythmogenic right ventricular dysplasia; Cardiomyopathy, ARVC; Arrhythmogenic cardiomyopathy; Arrhythmogenic Right Ventricular Cardiomyopathy (ARVC). Identifiers: Orphanet 247, MedGen C0349788, MeSH D019571, MONDO:0016587. Disease mechanism: loss of function. Inheritance: Various modes of inheritance.

Submission:

All of Us Research Program, National Institutes of Health
Classification: Likely benign for Arrhythmogenic right ventricular cardiomyopathy. Last evaluated: 2023-09-17. Review status: criteria provided, single submitter. Criteria: ACMG Guidelines, 2015. Collection method: clinical testing. Allele origin: germline. Inheritance: Autosomal dominant inheritance. Observed: 1 variant allele, 1 heterozygote.
Comment: This study involves interpretation of variants in research participants for the purpose of population health screening. Participant phenotype was not available at the time of variant classification. Additional details can be found in publication PMID: 35346344, PMCID: PMC8962531